The following is an entry in ClinVar:

ClinVar aggregate classification (germline): Uncertain significance (1 of 4 stars; one submission).

Submission:

GeneDx
Classification: Uncertain significance. Last evaluated: 2024-11-06. Review status: criteria provided, single submitter. Criteria: GeneDx Variant Classification Process June 2021. Collection method: clinical testing. Allele origin: germline. Affected: yes.
Comment: Not observed at significant frequency in large population cohorts (gnomAD); In silico analysis supports that this missense variant has a deleterious effect on protein structure/function; Missense variants in this gene are a common cause of disease and they are underrepresented in the general population; Has not been previously published as pathogenic or benign to our knowledge; This variant is associated with the following publications: (PMID: 29493581)

NM_005633.4(SOS1):c.1738C>T (p.Pro580Ser)

Gene: SOS1 (SOS Ras/Rac guanine nucleotide exchange factor 1; minus strand). Cytogenetic location: 2p22.1.
Variant type: single nucleotide variant.
Coding change: c.1738C>T on transcript NM_005633.4 (MANE Select); coding-DNA position 1738, C replaced by T.
Protein change: p.Pro580Ser; replaces proline 580 with serine.
Molecular consequence: missense variant.
Genome position (GRCh38, 1-based): chr2:39,022,690, G>A on the plus strand (C>T on the coding strand, the complement: SOS1 is on the minus strand). VCF-style: chr2-39022690-G-A. GRCh37 (hg19) VCF-style: chr2-39249831-G-A.
Other names: c.1717C>T, p.Pro573Ser (NM_001382394.1); c.1738C>T, p.Pro580Ser (NM_001382395.1); short protein forms P573S, P580S.
Identifiers: ClinVar variation 3898882 (VCV003898882.1).
Genomic context (GRCh38, chr2:39,022,690, plus strand): 5'-TTGGAATTCCAGCCTTGGGCTGCATGTTCTCTTCAAATATAATATTCTCTTCAGAGTCAG[G>A]CTCTGCAAATCTATAAACATCAGCACTAGGCAGCCTCATCTGCTCCTCTTTCTCTTCCTG-3'
Protein context (NP_005624.2, residues 570-590): PSADVYRFAE[Pro580Ser]DSEENIIFEE